The following is an entry in ClinVar:

NM_021098.3(CACNA1H):c.2173_2178del (p.Arg725_Gly726del)

Gene: CACNA1H (calcium voltage-gated channel subunit alpha1 H; plus strand). Cytogenetic location: 16p13.3.
Variant type: Deletion.
Coding change: c.2173_2178del on transcript NM_021098.3 (MANE Select); coding-DNA positions 2173 to 2178, 6 bases deleted (CGTGGC; older notation c.2173_2178delCGTGGC).
Protein change: p.Arg725_Gly726del.
Molecular consequence: inframe deletion.
Genome position (GRCh38, 1-based): chr16:1,204,180-1,204,185, CGTGGC deleted; deleting any 6 consecutive bases within chr16:1,204,176-1,204,185 gives the same sequence; the c. name uses the placement nearest the transcript's 3' end. VCF-style (leftmost placement, unchanged base first): chr16-1204175-ATGGCCG-A. GRCh37 (hg19) VCF-style: chr16-1254175-ATGGCCG-A.
Other names: c.2173_2178del, p.Arg725_Gly726del (NM_001005407.2).
Identifiers: ClinVar variation 3252303 (VCV003252303.1), dbSNP rs2548657898.
Genomic context (GRCh38, chr16:1,204,175, plus strand): 5'-GCACCCGTGCCCTGGAGGACCCGGAGGGTGAGCTCAGCGGCTCGGAAAGTGGAGACTCAG[ATGGCCG>A]TGGCGTCTATGAATTCACGCAGGACGTCCGGCACGGTGACCGCTGGGACCCCACGCGACC-3'

ClinVar aggregate classification (germline): Uncertain significance (1 of 4 stars; one submission).

Submission:

GeneDx
Classification: Uncertain significance. Last evaluated: 2024-01-19. Review status: criteria provided, single submitter. Criteria: GeneDx Variant Classification Process June 2021. Collection method: clinical testing. Allele origin: germline. Affected: yes.
Comment: Not observed at significant frequency in large population cohorts (gnomAD); In-frame deletion of 2 amino acids in a non-repeat region; In silico analysis supports that this variant does not alter protein structure/function; Has not been previously published as pathogenic or benign to our knowledge